The following is an entry in ClinVar:

NM_002968.3(SALL1):c.3160C>T (p.Arg1054Ter)

Gene: SALL1 (spalt like transcription factor 1; minus strand). Cytogenetic location: 16q12.1.
Variant type: single nucleotide variant.
Coding change: c.3160C>T on transcript NM_002968.3 (MANE Select); coding-DNA position 3160, C replaced by T.
Protein change: p.Arg1054Ter; replaces arginine 1054 with a stop codon.
Molecular consequence: nonsense.
Genome position (GRCh38, 1-based): chr16:51,139,062, G>A on the plus strand (C>T on the coding strand, the complement: SALL1 is on the minus strand). VCF-style: chr16-51139062-G-A. GRCh37 (hg19) VCF-style: chr16-51172973-G-A.
Other names: c.2869C>T, p.Arg957Ter (NM_001127892.2); short protein forms R1054*, R957*.
Identifiers: ClinVar variation 219151 (VCV000219151.11), dbSNP rs864321635, ClinGen allele CA347917.

ClinVar aggregate classification (germline): Pathogenic/Likely pathogenic. Review status: criteria provided, multiple submitters, no conflicts (2 of 4 stars). 5 submissions from 5 submitters: Pathogenic (3); Likely pathogenic (1). 1 of the submissions does not count toward it. Last evaluated 2025-02-27.

Conditions:
Townes syndrome (TBS). Also called: Townes-Brocks syndrome. Identifiers: Orphanet 857, MedGen C0265246, MeSH C536974, MONDO:0007142.
Townes-Brocks syndrome 1 (TBS1). Also called: DEAFNESS, SENSORINEURAL, WITH IMPERFORATE ANUS AND THUMB ANOMALIES; REAR SYNDROME; RENAL-EAR-ANAL-RADIAL SYNDROME; SALL1-Related Townes-Brocks Syndrome. Identifiers: Orphanet 857, MedGen C4551481, MONDO:0054581, OMIM 107480.

Submissions (5):

Centre de Biologie Pathologie Génétique, Centre Hospitalier Universitaire de Lille
Classification: Pathogenic for Townes-Brocks syndrome 1. Last evaluated: 2025-02-27. Review status: criteria provided, single submitter. Criteria: ACMG Guidelines, 2015. Collection method: clinical testing. Allele origin: unknown. Inheritance: Autosomal dominant inheritance. Affected: yes.
Comment: PVS1 + PM2 + PP4

Labcorp Genetics (formerly Invitae), Labcorp
Classification: Likely pathogenic for Townes syndrome. Last evaluated: 2024-02-04. Review status: criteria provided, single submitter. Criteria: Invitae Variant Classification Sherloc (09022015). Collection method: clinical testing. Allele origin: germline.
Comment: This sequence change creates a premature translational stop signal (p.Arg1054*) in the SALL1 gene. While this is not anticipated to result in nonsense mediated decay, it is expected to disrupt the last 271 amino acid(s) of the SALL1 protein. This variant is not present in population databases (gnomAD no frequency). This variant has been reported to segregate with multiple congenital anomaly-intellectual disability in a family (PMID: 23069192). In this family, two affected siblings were homozygous for this variant. Eleven heterozygous carriers from this family were clinically evaluated with emphasis on minor Townes-Brocks syndrome (TBS) features, and were all found to be unaffected. Another heterozygous carrier, who was not available for thorough clinical evaluation, was also reported to be healthy. However, this variant has also been observed in different families, where the heterozygous probands and heterozygous family members had clinical features consistent with TBS (Invitae). ClinVar contains an entry for this variant (Variation ID: 219151). In summary, the currently available evidence indicates that the variant is pathogenic, but additional data are needed to prove that conclusively. Therefore, this variant has been classified as Likely Pathogenic.

3billion
Classification: Pathogenic for Townes-Brocks syndrome 1. Last evaluated: 2023-10-10. Review status: criteria provided, single submitter. Criteria: ACMG Guidelines, 2015. Collection method: clinical testing. Allele origin: germline. Affected: yes.
Comment: The variant is not observed in the gnomAD v2.1.1 dataset. Predicted Consequence/Location: Stop-gained (nonsense): predicted to result in a loss or disruption of normal protein function through nonsense-mediated decay (NMD) or protein truncation. Multiple pathogenic variants are reported downstream of the variant. The variant has been reported at least twice as pathogenic without evidence for the classification (ClinVar ID: VCV000219151 /PMID: 23069192). Therefore, this variant is classified as Pathogenic according to the recommendation of ACMG/AMP guideline.

GeneDx
Classification: Pathogenic. Last evaluated: 2022-11-07. Review status: criteria provided, single submitter. Criteria: GeneDx Variant Classification Process June 2021. Collection method: clinical testing. Allele origin: germline. Affected: yes.
Comment: Reported in the homozygous state in two individuals from the same family with multiple congenital anomalies including imperforate anus and triphalangeal thumbs in published literature (Vodopiutz et al., 2013); parents are noted to be heterozygous and unaffected; Nonsense variant predicted to result in protein truncation or nonsense mediated decay in a gene for which loss of function is a known mechanism of disease; Not observed at significant frequency in large population cohorts (gnomAD); This variant is associated with the following publications: (PMID: 26962299, 23069192)

GeneReviews
No classification provided. Condition: Townes-Brocks syndrome 1. Review status: no classification provided. Collection method: literature only. Allele origin: germline. Affected: yes. Not counted in ClinVar's aggregate classification.

Literature cited by the submitters: PubMed 23069192 (cited by Labcorp Genetics (formerly Invitae), Labcorp and 3billion); NCBI Bookshelf NBK1445 (cited by GeneReviews).